The following is an entry in ClinVar:

NM_000901.5(NR3C2):c.1207G>T (p.Asp403Tyr)

Gene: NR3C2 (nuclear receptor subfamily 3 group C member 2; minus strand). Cytogenetic location: 4q31.23.
Variant type: single nucleotide variant.
Coding change: c.1207G>T on transcript NM_000901.5 (MANE Select); coding-DNA position 1207, G replaced by T.
Protein change: p.Asp403Tyr; replaces aspartic acid 403 with tyrosine.
Molecular consequence: missense variant. On other transcripts: non-coding transcript variant (1).
Genome position (GRCh38, 1-based): chr4:148,435,654, C>A on the plus strand (G>T on the coding strand, the complement: NR3C2 is on the minus strand). VCF-style: chr4-148435654-C-A. GRCh37 (hg19) VCF-style: chr4-149356806-C-A.
Other names: c.1207G>T, p.Asp403Tyr (NM_001166104.2, NM_001354819.1); short protein forms D403Y.
Identifiers: ClinVar variation 1438837 (VCV001438837.6), dbSNP rs2126652388, ClinGen allele CA358247019.

ClinVar aggregate classification (germline): Uncertain significance (1 of 4 stars; one submission).

Allele frequency attached by ClinVar (database versions not stated): gnomAD exomes below 0.00001.
gnomAD v4.1: 1 of 1,614,174 alleles (0.000062%); highest among the groups gnomAD compares: Non-Finnish European, 0.000085%; no homozygotes.

Submission:

Labcorp Genetics (formerly Invitae), Labcorp
Classification: Uncertain significance. Last evaluated: 2022-06-05. Review status: criteria provided, single submitter. Criteria: Invitae Variant Classification Sherloc (09022015). Collection method: clinical testing. Allele origin: germline.
Comment: This sequence change replaces aspartic acid, which is acidic and polar, with tyrosine, which is neutral and polar, at codon 403 of the NR3C2 protein (p.Asp403Tyr). This variant is not present in population databases (gnomAD no frequency). This variant has not been reported in the literature in individuals affected with NR3C2-related conditions. ClinVar contains an entry for this variant (Variation ID: 1438837). Algorithms developed to predict the effect of missense changes on protein structure and function are either unavailable or do not agree on the potential impact of this missense change (SIFT: "Deleterious"; PolyPhen-2: "Probably Damaging"; Align-GVGD: "Class C15"). In summary, the available evidence is currently insufficient to determine the role of this variant in disease. Therefore, it has been classified as a Variant of Uncertain Significance.